The following is an entry in ClinVar:

ClinVar aggregate classification (germline): Benign. Review status: criteria provided, multiple submitters, no conflicts (2 of 4 stars). 3 submissions from 2 submitters: Benign (3). Last evaluated 2018-01-12.

Conditions:
Charcot-Marie-Tooth disease type 2. Also called: Charcot-Marie-Tooth type 2. Identifiers: Orphanet 64746, MedGen C0270914, MONDO:0018993.
Hereditary motor and sensory neuropathy with optic atrophy. Also called: PERIPHERAL NEUROPATHY AND OPTIC ATROPHY; CHARCOT-MARIE-TOOTH DISEASE, TYPE 6. Identifiers: Orphanet 90120, MedGen C0393807, MONDO:0019551.

Allele frequency attached by ClinVar (database versions not stated): gnomAD 0.04698 and 0.04352; gnomAD exomes 0.06780; 1000 Genomes Project 30x 0.06855; 1000 Genomes Project 0.07109; TOPMed 0.04516.
gnomAD v4.1: 7,178 of 152,412 alleles (4.7%); highest among the groups gnomAD compares: South Asian, 13%; 238 homozygotes.

Submissions (3):

Illumina Laboratory Services, Illumina
Classification: Benign for Neuropathy, hereditary motor and sensory, type 6A. Last evaluated: 2018-01-12. Review status: criteria provided, single submitter. Criteria: ICSL Variant Classification Criteria 13 December 2019. Collection method: clinical testing. Allele origin: germline.
Comment: This variant was observed in the ICSL laboratory as part of a predisposition screen in an ostensibly healthy population. It had not been previously curated by ICSL or reported in the Human Gene Mutation Database (HGMD: prior to June 1st, 2018), and was therefore a candidate for classification through an automated scoring system. Utilizing variant allele frequency, disease prevalence and penetrance estimates, and inheritance mode, an automated score was calculated to assess if this variant is too frequent to cause the disease. Based on the score and internal cut-off values, a variant classified as benign is not then subjected to further curation. The score for this variant resulted in a classification of benign for this disease.

Illumina Laboratory Services, Illumina
Classification: Benign for Charcot-Marie-Tooth disease, type 2. Last evaluated: 2018-01-12. Review status: criteria provided, single submitter. Criteria: ICSL Variant Classification Criteria 13 December 2019. Collection method: clinical testing. Allele origin: germline.
Comment: the same text as in the submission from Illumina Laboratory Services, Illumina above.

Breakthrough Genomics
Classification: Benign. Review status: criteria provided, single submitter. Criteria: ACMG Guidelines, 2015. Collection method: not provided. Allele origin: germline. Inheritance: Autosomal recessive inheritance. Affected: yes.

NM_014874.4(MFN2):c.*1100A>G

Gene: MFN2 (mitofusin 2; plus strand). Cytogenetic location: 1p36.22.
Variant type: single nucleotide variant.
Coding change: c.*1100A>G on transcript NM_014874.4 (MANE Select); 1100 bases downstream of the stop codon, A replaced by G.
Molecular consequence: 3 prime UTR variant.
Genome position (GRCh38, 1-based): chr1:12,012,665, A>G. VCF-style: chr1-12012665-A-G. GRCh37 (hg19) VCF-style: chr1-12072722-A-G.
Other names: c.*1100A>G (NM_001127660.2).
Identifiers: ClinVar variation 292398 (VCV000292398.6), dbSNP rs41278638, ClinGen allele CA10607739.
Genomic context (GRCh38, chr1:12,012,665, plus strand): 5'-CTTGTCCCAAGTGCCCTGGACTAAATTTCCTGTGCCAGTGACTGCAGTTGGCCAAGGGAC[A>G]ATGTGGAAAACCCAGTGTCCATCTTTCCACCCTCCCTGATCTCCAGAACCTTCGACTGAC-3'